The following is an entry in ClinVar:

ClinVar aggregate classification (germline): Uncertain significance. Review status: criteria provided, multiple submitters, no conflicts (2 of 4 stars). 2 submissions from 2 submitters: Uncertain significance (2). Last evaluated 2024-07-11.

Conditions:
Fanconi anemia complementation group J. Also called: BRIP1-Related Fanconi Anemia. Identifiers: Orphanet 84, MedGen C1836860, MONDO:0012187, OMIM 609054.
Familial cancer of breast. Also called: BREAST CANCER, FAMILIAL; Hereditary breast cancer; hereditary breast carcinoma. Identifiers: Orphanet 227535, MedGen C0346153, MONDO:0016419, OMIM 114480. Disease mechanism: loss of function.
Hereditary cancer-predisposing syndrome. Also called: Neoplastic Syndromes, Hereditary; Tumor predisposition; Hereditary Cancer Syndrome; Hereditary neoplastic syndrome. Identifiers: Orphanet 140162, MedGen C0027672, MeSH D009386, MONDO:0015356.

Allele frequency attached by ClinVar (database versions not stated): gnomAD exomes below 0.00001.

Submissions (2):

Ambry Genetics
Classification: Uncertain significance for Hereditary cancer-predisposing syndrome. Last evaluated: 2024-07-11. Review status: criteria provided, single submitter. Criteria: Ambry Variant Classification Scheme 2023. Collection method: clinical testing. Allele origin: germline.
Comment: The p.T1045S variant (also known as c.3134C>G), located in coding exon 19 of the BRIP1 gene, results from a C to G substitution at nucleotide position 3134. The threonine at codon 1045 is replaced by serine, an amino acid with similar properties. This amino acid position is conserved. In addition, this alteration is predicted to be tolerated by in silico analysis. Based on the available evidence, the clinical significance of this variant remains unclear.

Labcorp Genetics (formerly Invitae), Labcorp
Classification: Uncertain significance for Familial cancer of breast; Fanconi anemia complementation group J. Last evaluated: 2024-05-07. Review status: criteria provided, single submitter. Criteria: Invitae Variant Classification Sherloc (09022015). Collection method: clinical testing. Allele origin: germline.
Comment: This sequence change replaces threonine, which is neutral and polar, with serine, which is neutral and polar, at codon 1045 of the BRIP1 protein (p.Thr1045Ser). This variant is not present in population databases (gnomAD no frequency). This variant has not been reported in the literature in individuals affected with BRIP1-related conditions. Algorithms developed to predict the effect of missense changes on protein structure and function output the following: SIFT: "Not Available"; PolyPhen-2: "Benign"; Align-GVGD: "Not Available". The serine amino acid residue is found in multiple mammalian species, which suggests that this missense change does not adversely affect protein function. In summary, the available evidence is currently insufficient to determine the role of this variant in disease. Therefore, it has been classified as a Variant of Uncertain Significance.

NM_032043.3(BRIP1):c.3134C>G (p.Thr1045Ser)

Gene: BRIP1 (BRCA1 interacting DNA helicase 1; minus strand). Cytogenetic location: 17q23.2.
Variant type: single nucleotide variant.
Coding change: c.3134C>G on transcript NM_032043.3 (MANE Select); coding-DNA position 3134, C replaced by G.
Protein change: p.Thr1045Ser; replaces threonine 1045 with serine.
Molecular consequence: missense variant.
Genome position (GRCh38, 1-based): chr17:61,683,912, G>C on the plus strand (C>G on the coding strand, the complement: BRIP1 is on the minus strand). VCF-style: chr17-61683912-G-C. GRCh37 (hg19) VCF-style: chr17-59761273-G-C.
Other names: short protein forms T1045S.
Identifiers: ClinVar variation 2932712 (VCV002932712.4), dbSNP rs2544559937, ClinGen allele CA400479605.